The following is an entry in ClinVar:

ClinVar aggregate classification (germline): Conflicting classifications of pathogenicity. Review status: criteria provided, conflicting classifications (1 of 4 stars). 4 submissions from 3 submitters: Uncertain significance (1); Likely benign (3). Last evaluated 2024-08-20.

Conditions:
Congenital myasthenic syndrome 11. Also called: MYASTHENIC SYNDROME, CONGENITAL, Ie; Myasthenic syndrome, congenital, 11, associated with acetylcholine receptor deficiency. Identifiers: Orphanet 590, MedGen C4225367, MONDO:0014588, OMIM 616326.
Fetal akinesia deformation sequence 1 (FADS1). Also called: Fetal akinesia sequence; Pena-Shokeir syndrome type I. Identifiers: Orphanet 994, MedGen C1276035, MONDO:0100101, OMIM 208150, HP:0001989.

Allele frequency attached by ClinVar (database versions not stated): 1000 Genomes Project 30x 0.00016; 1000 Genomes Project 0.00020; TOPMed 0.00047.
gnomAD v4.1: 190 of 1,613,452 alleles (0.012%); highest among the groups gnomAD compares: East Asian, 0.41%; no homozygotes.

Submissions (4):

Revvity Omics, Revvity
Classification: Likely benign. Last evaluated: 2024-08-20. Review status: criteria provided, single submitter. Criteria: ACMG Guidelines, 2015. Collection method: clinical testing. Allele origin: germline.

Labcorp Genetics (formerly Invitae), Labcorp
Classification: Likely benign for Congenital myasthenic syndrome 11; Fetal akinesia deformation sequence 1. Last evaluated: 2022-08-06. Review status: criteria provided, single submitter. Criteria: Invitae Variant Classification Sherloc (09022015). Collection method: clinical testing. Allele origin: germline.

Illumina Laboratory Services, Illumina
Classification: Uncertain significance for Congenital myasthenic syndrome 11. Last evaluated: 2018-01-12. Review status: criteria provided, single submitter. Criteria: ICSL Variant Classification Criteria 13 December 2019. Collection method: clinical testing. Allele origin: germline.

Illumina Laboratory Services, Illumina
Classification: Likely benign for Fetal akinesia deformation sequence 1. Last evaluated: 2018-01-12. Review status: criteria provided, single submitter. Criteria: ICSL Variant Classification Criteria 13 December 2019. Collection method: clinical testing. Allele origin: germline.
Comment: This variant was observed in the ICSL laboratory as part of a predisposition screen in an ostensibly healthy population. It had not been previously curated by ICSL or reported in the Human Gene Mutation Database (HGMD: prior to June 1st, 2018), and was therefore a candidate for classification through an automated scoring system. Utilizing variant allele frequency, disease prevalence and penetrance estimates, and inheritance mode, an automated score was calculated to assess if this variant is too frequent to cause the disease. Based on the score and internal cut-off values, a variant classified as likely benign is not then subjected to further curation. The score for this variant resulted in a classification of likely benign for this disease.

NM_005055.5(RAPSN):c.457G>T (p.Ala153Ser)

Gene: RAPSN (receptor associated protein of the synapse; minus strand). Cytogenetic location: 11p11.2.
Variant type: single nucleotide variant.
Coding change: c.457G>T on transcript NM_005055.5 (MANE Select); coding-DNA position 457, G replaced by T.
Protein change: p.Ala153Ser; replaces alanine 153 with serine.
Molecular consequence: missense variant.
Genome position (GRCh38, 1-based): chr11:47,447,886, C>A on the plus strand (G>T on the coding strand, the complement: RAPSN is on the minus strand). VCF-style: chr11-47447886-C-A. GRCh37 (hg19) VCF-style: chr11-47469438-C-A.
Other names: c.457G>T, p.Ala153Ser (NM_032645.5); short protein forms A153S.
Identifiers: ClinVar variation 878687 (VCV000878687.10), dbSNP rs142635726, ClinGen allele CA5976740.